The following is an entry in ClinVar:

NM_001288705.3(CSF1R):c.2805C>T (p.Ser935=)

Gene: CSF1R (colony stimulating factor 1 receptor; minus strand). Cytogenetic location: 5q32.
Variant type: single nucleotide variant.
Coding change: c.2805C>T on transcript NM_001288705.3 (MANE Select); coding-DNA position 2805, C replaced by T.
Protein change: p.Ser935=; no amino-acid change (serine 935 retained).
Molecular consequence: synonymous variant. On other transcripts: non-coding transcript variant (2).
Genome position (GRCh38, 1-based): chr5:150,054,183, G>A on the plus strand (C>T on the coding strand, the complement: CSF1R is on the minus strand). VCF-style: chr5-150054183-G-A. GRCh37 (hg19) VCF-style: chr5-149433746-G-A.
Other names: p.Ser935=; c.2805C>T, p.Ser935= (NM_001349736.2, NM_001375320.1, NM_005211.4); c.2361C>T, p.Ser787= (NM_001375321.1).
Identifiers: ClinVar variation 352124 (VCV000352124.27), dbSNP rs147476583, ClinGen allele CA3506328.

ClinVar aggregate classification (germline): Benign/Likely benign. Review status: criteria provided, multiple submitters, no conflicts (2 of 4 stars). 5 submissions from 5 submitters: Benign (3); Likely benign (2). Last evaluated 2026-01-19.

Conditions:
Hereditary diffuse leukoencephalopathy with spheroids. Also called: LEUKOENCEPHALOPATHY, ADULT-ONSET, WITH AXONAL SPHEROIDS AND PIGMENTED GLIA. Identifiers: Orphanet 313808, MedGen C3711381, MONDO:0030796.

Allele frequency attached by ClinVar (database versions not stated): ESP Exome Variant Server 0.00015; 1000 Genomes Project 0.00080; gnomAD 0.00102 and 0.00104; ExAC 0.00144; gnomAD exomes 0.00194; TOPMed 0.00199.
gnomAD v4.1: 848 of 1,611,690 alleles (0.053%); highest among the groups gnomAD compares: Admixed American, 1.1%; 5 homozygotes.

Submissions (5):

Labcorp Genetics (formerly Invitae), Labcorp
Classification: Benign. Last evaluated: 2026-01-19. Review status: criteria provided, single submitter. Criteria: Invitae Variant Classification Sherloc (09022015). Collection method: clinical testing. Allele origin: germline.

CeGaT Center for Human Genetics Tuebingen
Classification: Likely benign. Last evaluated: 2025-09-01. Review status: criteria provided, single submitter. Criteria: CeGaT Center For Human Genetics Tuebingen Variant Classification Criteria Version 2. Collection method: clinical testing. Allele origin: germline. Affected: yes. Observed: 2 variant alleles.
Comment: CSF1R: BP4, BP7, BS1

Blueprint Genetics
Classification: Likely benign. Last evaluated: 2024-11-08. Review status: criteria provided, single submitter. Criteria: ACMG Guidelines, 2015. Collection method: clinical testing. Allele origin: germline.

Mayo Clinic Laboratories, Mayo Clinic
Classification: Benign. Last evaluated: 2024-10-16. Review status: criteria provided, single submitter. Criteria: ACMG Guidelines, 2015. Collection method: clinical testing. Allele origin: germline. Observed: 3 variant alleles.
Comment: BA1, BP4, BP7

Illumina Laboratory Services, Illumina
Classification: Benign for Leukoencephalopathy, diffuse hereditary, with spheroids 1. Last evaluated: 2018-01-13. Review status: criteria provided, single submitter. Criteria: ICSL Variant Classification Criteria 13 December 2019. Collection method: clinical testing. Allele origin: germline.
Comment: This variant was observed in the ICSL laboratory as part of a predisposition screen in an ostensibly healthy population. It had not been previously curated by ICSL or reported in the Human Gene Mutation Database (HGMD: prior to June 1st, 2018), and was therefore a candidate for classification through an automated scoring system. Utilizing variant allele frequency, disease prevalence and penetrance estimates, and inheritance mode, an automated score was calculated to assess if this variant is too frequent to cause the disease. Based on the score and internal cut-off values, a variant classified as benign is not then subjected to further curation. The score for this variant resulted in a classification of benign for this disease.